The following is an entry in ClinVar:

ClinVar aggregate classification (germline): Conflicting classifications of pathogenicity. Review status: criteria provided, conflicting classifications (1 of 4 stars). 5 submissions from 5 submitters: Uncertain significance (4); Likely benign (1). Last evaluated 2026-06-09.

Conditions:
FLNB-Related Spectrum Disorders.
Inborn genetic diseases. Identifiers: MedGen C0950123, MeSH D030342.

Allele frequency attached by ClinVar (database versions not stated): TOPMed 0.00003; ESP Exome Variant Server 0.00023.
gnomAD v4.1: 118 of 1,613,964 alleles (0.0073%); highest among the groups gnomAD compares: South Asian, 0.024%; no homozygotes.

Submissions (5):

Women's Health and Genetics/Laboratory Corporation of America, LabCorp
Classification: Uncertain significance. Last evaluated: 2026-06-09. Review status: criteria provided, single submitter. Criteria: LabCorp Variant Classification Summary - May 2015. Collection method: clinical testing. Allele origin: germline.
Comment: Variant summary: FLNB c.7534G>A (p.Ala2512Thr) results in a non-conservative amino acid change in the encoded protein sequence. Algorithms developed to predict the effect of missense changes on protein structure and function all suggest that this variant is likely to be disruptive. The variant allele was found at a frequency of 6e-05 in 251486 control chromosomes. This frequency is not significantly higher than estimated for disease-causing variants in FLNB, allowing no conclusion about variant significance. To our knowledge, no occurrence of c.7534G>A in individuals affected with FLNB-related conditions and no experimental evidence demonstrating its impact on protein function have been reported. ClinVar contains an entry for this variant (Variation ID: 346367). Based on the evidence outlined above, the variant was classified as uncertain significance.

Labcorp Genetics (formerly Invitae), Labcorp
Classification: Uncertain significance. Last evaluated: 2025-10-20. Review status: criteria provided, single submitter. Criteria: Invitae Variant Classification Sherloc (09022015). Collection method: clinical testing. Allele origin: germline.
Comment: This sequence change replaces alanine, which is neutral and non-polar, with threonine, which is neutral and polar, at codon 2512 of the FLNB protein (p.Ala2512Thr). This variant is present in population databases (rs142878980, gnomAD 0.03%). This variant has not been reported in the literature in individuals affected with FLNB-related conditions. ClinVar contains an entry for this variant (Variation ID: 346367). Invitae Evidence Modeling of protein sequence and biophysical properties (such as structural, functional, and spatial information, amino acid conservation, physicochemical variation, residue mobility, and thermodynamic stability) indicates that this missense variant is not expected to disrupt FLNB protein function with a negative predictive value of 95%. In summary, the available evidence is currently insufficient to determine the role of this variant in disease. Therefore, it has been classified as a Variant of Uncertain Significance.

Ambry Genetics
Classification: Likely benign for Inborn genetic diseases. Last evaluated: 2023-12-09. Review status: criteria provided, single submitter. Criteria: Ambry Variant Classification Scheme 2023. Collection method: clinical testing. Allele origin: germline.

GeneDx
Classification: Uncertain significance. Last evaluated: 2019-09-24. Review status: criteria provided, single submitter. Criteria: GeneDx Variant Classification Process June 2021. Collection method: clinical testing. Allele origin: germline. Affected: yes.
Comment: In silico analysis, which includes protein predictors and evolutionary conservation, supports a deleterious effect; Has not been previously published as pathogenic or benign to our knowledge

Illumina Laboratory Services, Illumina
Classification: Uncertain significance for FLNB-Related Spectrum Disorders. Last evaluated: 2018-01-13. Review status: criteria provided, single submitter. Criteria: ICSL Variant Classification Criteria 13 December 2019. Collection method: clinical testing. Allele origin: germline.

NM_001457.4(FLNB):c.7534G>A (p.Ala2512Thr)

Genes: FLNB (filamin B; plus strand), FLNB-AS1 (FLNB antisense RNA 1; minus strand). Cytogenetic location: 3p14.3.
Variant type: single nucleotide variant.
Coding change: c.7534G>A on transcript NM_001457.4 (MANE Select); coding-DNA position 7534, G replaced by A.
Protein change: p.Ala2512Thr; replaces alanine 2512 with threonine.
Molecular consequence: missense variant.
Genome position (GRCh38, 1-based): chr3:58,169,706, G>A. VCF-style: chr3-58169706-G-A. GRCh37 (hg19) VCF-style: chr3-58155433-G-A.
Other names: c.7627G>A, p.Ala2543Thr (NM_001164317.2); c.7501G>A, p.Ala2501Thr (NM_001164318.2); c.7462G>A, p.Ala2488Thr (NM_001164319.2); short protein forms A2512T, A2501T, A2543T, A2488T.
Identifiers: ClinVar variation 346367 (VCV000346367.12), dbSNP rs142878980, ClinGen allele CA2469716.
Genomic context (GRCh38, chr3:58,169,706, plus strand): 5'-TCAGTGACCAGGTCGTCTACAGAGACCTGCTATAGCGCCATTCCCAAGGCATCCTCGGAC[G>A]CCAGCAAGGTGACCTCTAAGGGGGCAGGGCTCTCAAAGGCCTTTGTGGGCCAGAAGAGTT-3'
Protein context (NP_001448.2, residues 2502-2522): YSAIPKASSD[Ala2512Thr]SKVTSKGAGL